The following is an entry in ClinVar:

ClinVar aggregate classification (germline): Conflicting classifications of pathogenicity. Review status: criteria provided, conflicting classifications (1 of 4 stars). 5 submissions from 5 submitters: Uncertain significance (4); Likely benign (1). Last evaluated 2025-08-29.

Conditions:
Van Maldergem syndrome 2 (VMLDS2). Identifiers: Orphanet 314679, MedGen C3809875, MONDO:0014242, OMIM 615546.
Hennekam lymphangiectasia-lymphedema syndrome 2 (HKLLS2). Identifiers: Orphanet 2136, MedGen C4014939, MONDO:0014454, OMIM 616006.
Inborn genetic diseases. Identifiers: MedGen C0950123, MeSH D030342.

Allele frequency attached by ClinVar (database versions not stated): gnomAD exomes 0.00005; ExAC 0.00006; ESP Exome Variant Server 0.00008; TOPMed 0.00036; gnomAD 0.00045 and 0.00047.
gnomAD v4.1: 106 of 1,614,086 alleles (0.0066%); highest among the groups gnomAD compares: African/African-American, 0.12%; no homozygotes.

Submissions (5):

Labcorp Genetics (formerly Invitae), Labcorp
Classification: Likely benign. Last evaluated: 2025-08-29. Review status: criteria provided, single submitter. Criteria: Invitae Variant Classification Sherloc (09022015). Collection method: clinical testing. Allele origin: germline.

Clinical Genomics Laboratory, Washington University in St. Louis
Classification: Uncertain significance for Hennekam lymphangiectasia-lymphedema syndrome 2; Van Maldergem syndrome 2. Last evaluated: 2025-01-02. Review status: criteria provided, single submitter. Criteria: ACMG Guidelines, 2015. Collection method: clinical testing. Allele origin: germline.
Comment: A FAT4 c.4199G>A (p.Arg1400His) variant was identified at a near heterozygous allelic fraction of 47.5%, a frequency which may be consistent with germline origin. This variant, to our knowledge, has not been reported in the medical literature. It is observed on 106/1,614,086 alleles in the general population (gnomAD v.4.1.0). Computational predictors suggest that the variant does not impact FAT4 function. Due to limited information, and based on ACMG/AMP guidelines for variant interpretation (Richards S et al., PMID: 25741868), the clinical significance of this variant is uncertain at this time.

Ambry Genetics
Classification: Uncertain significance for Inborn genetic diseases. Last evaluated: 2024-11-27. Review status: criteria provided, single submitter. Criteria: Ambry Variant Classification Scheme 2023. Collection method: clinical testing. Allele origin: germline.

GeneDx
Classification: Uncertain significance. Last evaluated: 2024-08-17. Review status: criteria provided, single submitter. Criteria: GeneDx Variant Classification Process June 2021. Collection method: clinical testing. Allele origin: germline. Affected: yes.
Comment: In silico analysis supports that this missense variant does not alter protein structure/function; Has not been previously published as pathogenic or benign to our knowledge

Fulgent Genetics
Classification: Uncertain significance for Van Maldergem syndrome 2; Hennekam lymphangiectasia-lymphedema syndrome 2. Last evaluated: 2024-05-23. Review status: criteria provided, single submitter. Criteria: ACMG Guidelines, 2015. Collection method: clinical testing. Allele origin: germline.

NM_001291303.3(FAT4):c.4199G>A (p.Arg1400His)

Gene: FAT4 (FAT atypical cadherin 4; plus strand). Cytogenetic location: 4q28.1.
Variant type: single nucleotide variant.
Coding change: c.4199G>A on transcript NM_001291303.3 (MANE Select); coding-DNA position 4199, G replaced by A.
Protein change: p.Arg1400His; replaces arginine 1400 with histidine.
Molecular consequence: missense variant.
Genome position (GRCh38, 1-based): chr4:125,320,610, G>A. VCF-style: chr4-125320610-G-A. GRCh37 (hg19) VCF-style: chr4-126241765-G-A.
Other names: c.4199G>A, p.Arg1400His (NM_001291285.3, NM_024582.6); c.4199G>A (NM_024582.5); short protein forms R1400H.
Identifiers: ClinVar variation 1314680 (VCV001314680.14), dbSNP rs376791829, ClinGen allele CA3072427.